The following is an entry in ClinVar:

ClinVar aggregate classification (germline): Likely benign. Review status: criteria provided, multiple submitters, no conflicts (2 of 4 stars). 4 submissions from 4 submitters: Likely benign (3). 1 of the submissions does not count toward it. Last evaluated 2025-12-23.

Conditions:
SCN1A-related disorder. Also called: SCN1A-related conditions; SCN1A-related condition; SCN1A-related disorders.
Early-infantile DEE. Also called: Early infantile epileptic encephalopathy; Ohtahara syndrome; Early infantile epileptic encephalopathy with suppression bursts. Identifiers: Orphanet 1934, MedGen C0393706, MONDO:0800491.

Allele frequency attached by ClinVar (database versions not stated): gnomAD 0.00002; gnomAD exomes 0.00003; TOPMed 0.00003; ExAC 0.00004; ESP Exome Variant Server 0.00008.
gnomAD v4.1: 50 of 1,612,348 alleles (0.0031%); highest among the groups gnomAD compares: Middle Eastern, 0.033%; no homozygotes.

Submissions (4):

Labcorp Genetics (formerly Invitae), Labcorp
Classification: Likely benign for Early-infantile DEE. Last evaluated: 2025-12-23. Review status: criteria provided, single submitter. Criteria: Invitae Variant Classification Sherloc (09022015). Collection method: clinical testing. Allele origin: germline.

Blueprint Genetics
Classification: Likely benign. Last evaluated: 2024-05-07. Review status: criteria provided, single submitter. Criteria: ACMG Guidelines, 2015. Collection method: clinical testing. Allele origin: germline.

GeneDx
Classification: Likely benign. Last evaluated: 2020-02-06. Review status: criteria provided, single submitter. Criteria: GeneDx Variant Classification Process June 2021. Collection method: clinical testing. Allele origin: germline. Affected: yes.

PreventionGenetics, part of Exact Sciences
Classification: Likely benign for SCN1A-related condition. Last evaluated: 2024-09-01. Review status: no assertion criteria provided. Collection method: clinical testing. Allele origin: germline. Not counted in ClinVar's aggregate classification.
Comment: This variant is classified as likely benign based on ACMG/AMP sequence variant interpretation guidelines (Richards et al. 2015 PMID: 25741868, with internal and published modifications).

NM_001165963.4(SCN1A):c.777C>T (p.Ser259=)

Gene: SCN1A (sodium voltage-gated channel alpha subunit 1; minus strand). Cytogenetic location: 2q24.3.
Variant type: single nucleotide variant.
Coding change: c.777C>T on transcript NM_001165963.4 (MANE Select); coding-DNA position 777, C replaced by T.
Protein change: p.Ser259=; no amino-acid change (serine 259 retained).
Molecular consequence: synonymous variant. On other transcripts: 5 prime UTR variant (1), non-coding transcript variant (1).
Genome position (GRCh38, 1-based): chr2:166,051,906, G>A on the plus strand (C>T on the coding strand, the complement: SCN1A is on the minus strand). VCF-style: chr2-166051906-G-A. GRCh37 (hg19) VCF-style: chr2-166908416-G-A.
Other names: c.777C>T, p.Ser259= (NM_001165964.3, NM_001202435.3, NM_001353948.2 and 10 more transcripts); c.-1649C>T (NM_001353961.2); c.777C>T (NM_001202435.1).
Identifiers: ClinVar variation 704864 (VCV000704864.15), dbSNP rs121918735, ClinGen allele CA1943435.